The following is an entry in ClinVar:

NM_001378615.1(CC2D2A):c.4037G>T (p.Gly1346Val)

Genes: CC2D2A (coiled-coil and C2 domain containing 2A; plus strand), FBXL5 (F-box and leucine rich repeat protein 5; minus strand). Cytogenetic location: 4p15.32.
Variant type: single nucleotide variant.
Coding change: c.4037G>T on transcript NM_001378615.1 (MANE Select); coding-DNA position 4037, G replaced by T.
Protein change: p.Gly1346Val; replaces glycine 1346 with valine.
Molecular consequence: missense variant.
Genome position (GRCh38, 1-based): chr4:15,586,218, G>T. VCF-style: chr4-15586218-G-T. GRCh37 (hg19) VCF-style: chr4-15587841-G-T.
Other names: c.4037G>T, p.Gly1346Val (NM_001080522.2); c.3890G>T, p.Gly1297Val (NM_001378617.1); short protein forms G1297V, G1346V.
Identifiers: ClinVar variation 2107776 (VCV002107776.4), dbSNP rs1720849726, ClinGen allele CA356428430.
Genomic context (GRCh38, chr4:15,586,218, plus strand): 5'-AACTGGTGGCTCGATATGTGTCCTTGATTCCCTTCTTGCCTGACACTGTCTCATTTGGTG[G>T]TATCTGTGACCTCTGGAGCACATCTGATGTAAGTAGTTCTTCTTCACAGATTTAGAAACT-3'
Protein context (NP_001365544.1, residues 1336-1356): PFLPDTVSFG[Gly1346Val]ICDLWSTSDQ

ClinVar aggregate classification (germline): Uncertain significance (1 of 4 stars; one submission).

Conditions:
Joubert syndrome. Also called: JOUBERT-BOLTSHAUSER SYNDROME; Familial aplasia of the vermis. Identifiers: Orphanet 475, MedGen C5979921, MONDO:0018772.
Meckel-Gruber syndrome. Also called: DYSENCEPHALIA SPLANCHNOCYSTICA; GRUBER SYNDROME; Dysencephalia splachnocystica. Identifiers: Orphanet 564, MedGen C0265215, MONDO:0018921.

Allele frequency attached by ClinVar (database versions not stated): gnomAD exomes below 0.00001; TOPMed below 0.00001; gnomAD 0.00001.
gnomAD v4.1: 4 of 1,607,562 alleles (0.00025%); highest among the groups gnomAD compares: Admixed American, 0.005%; no homozygotes.

Submission:

Labcorp Genetics (formerly Invitae), Labcorp
Classification: Uncertain significance for Joubert syndrome; Meckel-Gruber syndrome. Last evaluated: 2022-05-05. Review status: criteria provided, single submitter. Criteria: Invitae Variant Classification Sherloc (09022015). Collection method: clinical testing. Allele origin: germline.
Comment: In summary, the available evidence is currently insufficient to determine the role of this variant in disease. Therefore, it has been classified as a Variant of Uncertain Significance. Advanced modeling of protein sequence and biophysical properties (such as structural, functional, and spatial information, amino acid conservation, physicochemical variation, residue mobility, and thermodynamic stability) performed at Invitae indicates that this missense variant is expected to disrupt CC2D2A protein function. This variant has not been reported in the literature in individuals affected with CC2D2A-related conditions. This variant is not present in population databases (gnomAD no frequency). This sequence change replaces glycine, which is neutral and non-polar, with valine, which is neutral and non-polar, at codon 1346 of the CC2D2A protein (p.Gly1346Val).